The following is an entry in ClinVar:

ClinVar aggregate classification (germline): Uncertain significance (1 of 4 stars; one submission).

Conditions:
Autosomal recessive limb-girdle muscular dystrophy type 2A (LGMDR1). Also called: Calpainopathy; LEYDEN-MOEBIUS MUSCULAR DYSTROPHY; MUSCULAR DYSTROPHY, PELVOFEMORAL; Muscular dystrophy, limb-girdle, type 2A, Amish; Limb-girdle muscular dystrophy, type 2A. Identifiers: Orphanet 267, MedGen C1869123, MONDO:0009675, OMIM 253600. Disease mechanism: loss of function.

Submission:

Labcorp Genetics (formerly Invitae), Labcorp
Classification: Uncertain significance for Autosomal recessive limb-girdle muscular dystrophy type 2A. Last evaluated: 2020-05-28. Review status: criteria provided, single submitter. Criteria: Invitae Variant Classification Sherloc (09022015). Collection method: clinical testing. Allele origin: germline.
Comment: In summary, the available evidence is currently insufficient to determine the role of this variant in disease. Therefore, it has been classified as a Variant of Uncertain Significance. Algorithms developed to predict the effect of sequence changes on RNA splicing suggest that this variant may disrupt the consensus splice site, but this prediction has not been confirmed by published transcriptional studies. This variant has not been reported in the literature in individuals with CAPN3-related conditions. This sequence change falls in intron 21 of the CAPN3 gene. It does not directly change the encoded amino acid sequence of the CAPN3 protein. This variant is not present in population databases (ExAC no frequency).

NM_000070.3(CAPN3):c.2264-7T>A

Gene: CAPN3 (calpain 3; plus strand). Cytogenetic location: 15q15.1.
Variant type: single nucleotide variant.
Coding change: c.2264-7T>A on transcript NM_000070.3 (MANE Select); 7 bases into the intron before coding-DNA position 2264, T replaced by A.
Molecular consequence: intron variant.
Genome position (GRCh38, 1-based): chr15:42,410,877, T>A. VCF-style: chr15-42410877-T-A. GRCh37 (hg19) VCF-style: chr15-42703075-T-A.
Other names: c.2246-7T>A (NM_024344.2); c.1988-7T>A (NM_173087.2); c.728-7T>A (NM_173088.2); c.269-7T>A (NM_173090.2, NM_173089.2).
Identifiers: ClinVar variation 1036098 (VCV001036098.9), dbSNP rs2054199758, ClinGen allele CA2172720936.